The following is an entry in ClinVar:

Conditions:
Breast-ovarian cancer, familial, susceptibility to, 1 (BROVCA1). Also called: BRCA1 Hereditary Breast and Ovarian Cancer; OVARIAN CANCER, SUSCEPTIBILITY TO. Identifiers: Orphanet 145, MedGen C2676676, MONDO:0011450, OMIM 604370. Disease mechanism: loss of function.

Allele frequency attached by ClinVar (database versions not stated): gnomAD exomes below 0.00001.
gnomAD v4.1: 1 of 1,614,156 alleles (0.000062%); highest among the groups gnomAD compares: African/African-American, 0.0013%; no homozygotes.

Submission:

Brotman Baty Institute, University of Washington
No classification provided (evidence only). Condition: Breast-ovarian cancer, familial 1. Review status: no classification provided. Collection method: in vitro. Allele origin: not applicable. Functional consequence: functionally_normal.
ClinVar note: "not provided" was previously submitted as the classification for the variant. However, the classification appeared to be based only on an observation of functional data so it was converted to no classification on 2025-07-30.

NM_007294.4(BRCA1):c.5409T>G (p.Gly1803=)

Gene: BRCA1 (BRCA1 DNA repair associated; minus strand). Cytogenetic location: 17q21.31.
Variant type: single nucleotide variant.
Coding change: c.5409T>G on transcript NM_007294.4 (MANE Select); coding-DNA position 5409, T replaced by G.
Protein change: p.Gly1803=; no amino-acid change (glycine 1803 retained).
Molecular consequence: synonymous variant. On other transcripts: missense variant (17).
Genome position (GRCh38, 1-based): chr17:43,047,701, A>C on the plus strand (T>G on the coding strand, the complement: BRCA1 is on the minus strand). VCF-style: chr17-43047701-A-C. GRCh37 (hg19) VCF-style: chr17-41199718-A-C.
Other names: c.5262T>G, p.Gly1754= (NM_001407847.1, NM_001407848.1, NM_001407849.1 and 12 more transcripts); c.5335T>G, p.Cys1779Gly (NM_001407854.1); c.5332T>G, p.Cys1778Gly (NM_001407858.1, NM_001407859.1, NM_001407860.1); c.5199T>G, p.Gly1733= (NM_001407884.1, NM_001407885.1, NM_001407886.1 and 5 more transcripts); c.5196T>G, p.Gly1732= (NM_001407894.1, NM_001407895.1, NM_001407896.1 and 12 more transcripts); c.5193T>G, p.Gly1731= (NM_001407915.1, NM_001407916.1, NM_001407917.1 and 1 more transcripts); c.5157T>G, p.Gly1719= (NM_001407919.1); c.5145T>G, p.Gly1715= (NM_001407920.1, NM_001407921.1, NM_001407922.1 and 4 more transcripts); and 83 more; short protein forms C675G, C1738G, C1777G, C1736G, C674G, C1737G, C1778G, C1779G.
Identifiers: ClinVar variation 868464 (VCV000868464.3), dbSNP rs2050995166, ClinGen allele CA10590650.